The following is an entry in ClinVar:

ClinVar aggregate classification (germline): Likely benign. Review status: criteria provided, multiple submitters, no conflicts (2 of 4 stars). 2 submissions from 2 submitters: Likely benign (2). Last evaluated 2025-01-14.

Conditions:
Dilated cardiomyopathy 1G (CMD1G). Identifiers: Orphanet 154, MedGen C1858763, MONDO:0011400, OMIM 604145.
Autosomal recessive limb-girdle muscular dystrophy type 2J (LGMDR10). Also called: Limb-girdle muscular dystrophy, type 2J; MUSCULAR DYSTROPHY, LIMB-GIRDLE, AUTOSOMAL RECESSIVE 10. Identifiers: Orphanet 140922, MedGen C1837342, MONDO:0012127, OMIM 608807.

Allele frequency attached by ClinVar (database versions not stated): ExAC 0.00001; gnomAD 0.00003; TOPMed 0.00004.
gnomAD v4.1: 18 of 1,612,080 alleles (0.0011%); highest among the groups gnomAD compares: Admixed American, 0.017%; no homozygotes.

Submissions (2):

Labcorp Genetics (formerly Invitae), Labcorp
Classification: Likely benign for Dilated cardiomyopathy 1G; Autosomal recessive limb-girdle muscular dystrophy type 2J. Last evaluated: 2025-01-14. Review status: criteria provided, single submitter. Criteria: Invitae Variant Classification Sherloc (09022015). Collection method: clinical testing. Allele origin: germline.

Laboratory for Molecular Medicine, Mass General Brigham Personalized Medicine
Classification: Likely benign. Last evaluated: 2011-11-14. Review status: criteria provided, single submitter. Criteria: LMM Criteria. Collection method: clinical testing. Allele origin: germline. Observed: 1 variant allele.
Comment: Val12296Val in exon 191 of TTN: This variant does not change an amino acid and d oes not affect the splice consensus sequence. This makes a disease causing role very unlikely. Val12296Val in exon 191 of TTN (allele frequency = n/a)

NM_001267550.2(TTN):c.44592C>T (p.Val14864=)

Gene: TTN (titin; minus strand). Cytogenetic location: 2q31.2.
Variant type: single nucleotide variant.
Coding change: c.44592C>T on transcript NM_001267550.2 (MANE Select); coding-DNA position 44592, C replaced by T.
Protein change: p.Val14864=; no amino-acid change (valine 14864 retained).
Molecular consequence: synonymous variant.
Genome position (GRCh38, 1-based): chr2:178,624,688, G>A on the plus strand (C>T on the coding strand, the complement: TTN is on the minus strand). VCF-style: chr2-178624688-G-A. GRCh37 (hg19) VCF-style: chr2-179489415-G-A.
Other names: c.39669C>T, p.Val13223= (NM_001256850.1); c.17397C>T, p.Val5799= (NM_003319.4); c.17772C>T, p.Val5924= (NM_133432.3); c.17973C>T, p.Val5991= (NM_133437.4); c.36888C>T, p.Val12296= (NM_133378.4).
Identifiers: ClinVar variation 46979 (VCV000046979.16), dbSNP rs397517578, ClinGen allele CA139686.